The following is an entry in ClinVar:

NM_000368.5(TSC1):c.3457A>G (p.Ile1153Val)

Gene: TSC1 (TSC complex subunit 1; minus strand). Cytogenetic location: 9q34.13.
Variant type: single nucleotide variant.
Coding change: c.3457A>G on transcript NM_000368.5 (MANE Select); coding-DNA position 3457, A replaced by G.
Protein change: p.Ile1153Val; replaces isoleucine 1153 with valine.
Molecular consequence: missense variant.
Genome position (GRCh38, 1-based): chr9:132,896,273, T>C on the plus strand (A>G on the coding strand, the complement: TSC1 is on the minus strand). VCF-style: chr9-132896273-T-C. GRCh37 (hg19) VCF-style: chr9-135771660-T-C.
Other names: c.3454A>G, p.Ile1152Val (NM_001162426.2); c.3304A>G, p.Ile1102Val (NM_001162427.2); c.3094A>G, p.Ile1032Val (NM_001362177.2); short protein forms I1102V, I1152V, I1153V, I1032V.
Identifiers: ClinVar variation 937896 (VCV000937896.10), dbSNP rs1845024693, ClinGen allele CA375366337.

ClinVar aggregate classification (germline): Uncertain significance. Review status: criteria provided, multiple submitters, no conflicts (2 of 4 stars). 2 submissions from 2 submitters: Uncertain significance (2). Last evaluated 2025-08-20.

Conditions:
Tuberous sclerosis 1 (TSC1). Identifiers: Orphanet 805, MedGen C1854465, MONDO:0008612, OMIM 191100.
Hereditary cancer-predisposing syndrome. Also called: Tumor predisposition; Hereditary neoplastic syndrome; Neoplastic Syndromes, Hereditary; Hereditary Cancer Syndrome. Identifiers: Orphanet 140162, MedGen C0027672, MeSH D009386, MONDO:0015356.

Submissions (2):

Ambry Genetics
Classification: Uncertain significance for Hereditary cancer-predisposing syndrome. Last evaluated: 2025-08-20. Review status: criteria provided, single submitter. Criteria: Ambry Variant Classification Scheme 2023. Collection method: clinical testing. Allele origin: germline.
Comment: The p.I1153V variant (also known as c.3457A>G), located in coding exon 21 of the TSC1 gene, results from an A to G substitution at nucleotide position 3457. The isoleucine at codon 1153 is replaced by valine, an amino acid with highly similar properties. This amino acid position is conserved. In addition, the in silico prediction for this alteration is inconclusive. Based on the available evidence, the clinical significance of this variant remains unclear.

Labcorp Genetics (formerly Invitae), Labcorp
Classification: Uncertain significance for Tuberous sclerosis 1. Last evaluated: 2019-09-02. Review status: criteria provided, single submitter. Criteria: Invitae Variant Classification Sherloc (09022015). Collection method: clinical testing. Allele origin: germline.
Comment: In summary, the available evidence is currently insufficient to determine the role of this variant in disease. Therefore, it has been classified as a Variant of Uncertain Significance. Algorithms developed to predict the effect of missense changes on protein structure and function are either unavailable or do not agree on the potential impact of this missense change (SIFT: "Tolerated"; PolyPhen-2: "Probably Damaging"; Align-GVGD: "Class C0"). This variant has not been reported in the literature in individuals with TSC1-related conditions. This variant is not present in population databases (ExAC no frequency). This sequence change replaces isoleucine with valine at codon 1153 of the TSC1 protein (p.Ile1153Val). The isoleucine residue is moderately conserved and there is a small physicochemical difference between isoleucine and valine.